The following is an entry in ClinVar:

ClinVar aggregate classification (germline): Uncertain significance (1 of 4 stars; one submission).

Submission:

Labcorp Genetics (formerly Invitae), Labcorp
Classification: Uncertain significance. Last evaluated: 2021-08-02. Review status: criteria provided, single submitter. Criteria: Invitae Variant Classification Sherloc (09022015). Collection method: clinical testing. Allele origin: germline.
Comment: This sequence change replaces proline with threonine at codon 98 of the LTBP2 protein (p.Pro98Thr). The proline residue is moderately conserved and there is a small physicochemical difference between proline and threonine. The frequency data for this variant in the population databases is considered unreliable, as metrics indicate insufficient coverage at this position in the ExAC database. This variant has not been reported in the literature in individuals affected with LTBP2-related conditions. Experimental studies and prediction algorithms are not available or were not evaluated, and the functional significance of this variant is currently unknown. In summary, the available evidence is currently insufficient to determine the role of this variant in disease. Therefore, it has been classified as a Variant of Uncertain Significance.

NM_000428.3(LTBP2):c.291_292delinsAA (p.Pro98Thr)

Gene: LTBP2 (latent transforming growth factor beta binding protein 2; minus strand). Cytogenetic location: 14q24.3.
Variant type: Indel.
Coding change: c.291_292delinsAA on transcript NM_000428.3 (MANE Select); coding-DNA positions 291 to 292, GC replaced by AA.
Protein change: p.Pro98Thr; replaces proline 98 with threonine.
Molecular consequence: missense variant.
Genome position (GRCh38, 1-based): chr14:74,611,653-74,611,654, GC replaced by TT on the plus strand (GC replaced by AA on the coding strand, the reverse complement: LTBP2 is on the minus strand). VCF-style: chr14-74611653-GC-TT. GRCh37 (hg19) VCF-style: chr14-75078356-GC-TT.
Other names: short protein forms P98T.
Identifiers: ClinVar variation 1503957 (VCV001503957.1), dbSNP rs2139815752, ClinGen allele CA2573150140.
Genomic context (GRCh38, chr14:74,611,653, plus strand): 5'-GTGGCTGGACACGCCGCGACTGCTGCGCGCGGGACGGCCTCCTGGCCTCCGCCTCGGTGG[GC>TT]CTCCTGGGGCTCCCCCAGCCCGGCTGGGCCCGCTCCACGGGCTGCAAGCCCGCGACAGGC-3'
Protein context (NP_000419.1, residues 88-108): AQPGWGSPRR[Pro98Thr]TEAEARRPSR